The following is an entry in ClinVar:

NM_005228.5(EGFR):c.3554G>C (p.Gly1185Ala)

Gene: EGFR (epidermal growth factor receptor; plus strand). Cytogenetic location: 7p11.2.
Variant type: single nucleotide variant.
Coding change: c.3554G>C on transcript NM_005228.5 (MANE Select); coding-DNA position 3554, G replaced by C.
Protein change: p.Gly1185Ala; replaces glycine 1185 with alanine.
Molecular consequence: missense variant.
Genome position (GRCh38, 1-based): chr7:55,205,538, G>C. VCF-style: chr7-55205538-G-C. GRCh37 (hg19) VCF-style: chr7-55273231-G-C.
Other names: c.3419G>C, p.Gly1140Ala (NM_001346899.2); c.3395G>C, p.Gly1132Ala (NM_001346900.2); c.2753G>C, p.Gly918Ala (NM_001346941.2); short protein forms G918A, G1185A, G1132A, G1140A.
Identifiers: ClinVar variation 847915 (VCV000847915.10), dbSNP rs746585833, ClinGen allele CA4266422.

ClinVar aggregate classification (germline): Uncertain significance. Review status: criteria provided, multiple submitters, no conflicts (2 of 4 stars). 2 submissions from 2 submitters: Uncertain significance (2). Last evaluated 2025-09-24.

Conditions:
Hereditary cancer-predisposing syndrome. Also called: Tumor predisposition; Hereditary neoplastic syndrome; Neoplastic Syndromes, Hereditary; Hereditary Cancer Syndrome. Identifiers: Orphanet 140162, MedGen C0027672, MeSH D009386, MONDO:0015356.
EGFR-related lung cancer (EGFR). Identifiers: MedGen CN130014.

gnomAD v4.1: 5 of 1,614,182 alleles (0.00031%); highest among the groups gnomAD compares: Non-Finnish European, 0.00042%; no homozygotes.

Submissions (2):

Labcorp Genetics (formerly Invitae), Labcorp
Classification: Uncertain significance for EGFR-related lung cancer. Last evaluated: 2025-09-24. Review status: criteria provided, single submitter. Criteria: Invitae Variant Classification Sherloc (09022015). Collection method: clinical testing. Allele origin: germline.
Comment: This sequence change replaces glycine, which is neutral and non-polar, with alanine, which is neutral and non-polar, at codon 1185 of the EGFR protein (p.Gly1185Ala). This variant is present in population databases (rs746585833, gnomAD 0.005%). This variant has not been reported in the literature in individuals affected with EGFR-related conditions. ClinVar contains an entry for this variant (Variation ID: 847915). An algorithm developed to predict the effect of missense changes on protein structure and function outputs the following: PolyPhen-2: "Probably Damaging". The alanine amino acid residue is found in multiple mammalian species, which suggests that this missense change does not adversely affect protein function. In summary, the available evidence is currently insufficient to determine the role of this variant in disease. Therefore, it has been classified as a Variant of Uncertain Significance.

Ambry Genetics
Classification: Uncertain significance for Hereditary cancer-predisposing syndrome. Last evaluated: 2024-12-06. Review status: criteria provided, single submitter. Criteria: Ambry Variant Classification Scheme 2023. Collection method: clinical testing. Allele origin: germline.
Comment: The p.G1185A variant (also known as c.3554G>C), located in coding exon 28 of the EGFR gene, results from a G to C substitution at nucleotide position 3554. The glycine at codon 1185 is replaced by alanine, an amino acid with similar properties. This amino acid position is conserved. In addition, the in silico prediction for this alteration is inconclusive. Based on the available evidence, the clinical significance of this variant remains unclear.